The following is an entry in ClinVar:

NM_145059.3(FCSK):c.2258G>A (p.Arg753His)

Gene: FCSK (fucose kinase; plus strand). Cytogenetic location: 16q22.1.
Variant type: single nucleotide variant.
Coding change: c.2258G>A on transcript NM_145059.3 (MANE Select); coding-DNA position 2258, G replaced by A.
Protein change: p.Arg753His; replaces arginine 753 with histidine.
Molecular consequence: missense variant.
Genome position (GRCh38, 1-based): chr16:70,474,892, G>A. VCF-style: chr16-70474892-G-A. GRCh37 (hg19) VCF-style: chr16-70508795-G-A.
Other names: short protein forms R753H.
Identifiers: ClinVar variation 1997452 (VCV001997452.4), dbSNP rs1268190695, ClinGen allele CA396572870.

ClinVar aggregate classification (germline): Uncertain significance (1 of 4 stars; one submission).

gnomAD v4.1: 6 of 1,607,174 alleles (0.00037%); highest among the groups gnomAD compares: South Asian, 0.0011%; no homozygotes.

Submission:

Labcorp Genetics (formerly Invitae), Labcorp
Classification: Uncertain significance. Last evaluated: 2022-11-15. Review status: criteria provided, single submitter. Criteria: Invitae Variant Classification Sherloc (09022015). Collection method: clinical testing. Allele origin: germline.
Comment: This sequence change replaces arginine, which is basic and polar, with histidine, which is basic and polar, at codon 753 of the FUK protein (p.Arg753His). In summary, the available evidence is currently insufficient to determine the role of this variant in disease. Therefore, it has been classified as a Variant of Uncertain Significance. Algorithms developed to predict the effect of missense changes on protein structure and function are either unavailable or do not agree on the potential impact of this missense change (SIFT: "Deleterious"; PolyPhen-2: "Possibly Damaging"; Align-GVGD: "Class C0"). This variant has not been reported in the literature in individuals affected with FUK-related conditions. This variant is not present in population databases (gnomAD no frequency).